The following is an entry in ClinVar:

NM_000146.4(FTL):c.-126C>A

Gene: FTL (ferritin light chain; plus strand). Cytogenetic location: 19q13.33.
Variant type: single nucleotide variant.
Coding change: c.-126C>A on transcript NM_000146.4 (MANE Select); 126 bases upstream of the start codon, C replaced by A.
Molecular consequence: 5 prime UTR variant.
Genome position (GRCh38, 1-based): chr19:48,965,382, C>A. VCF-style: chr19-48965382-C-A. GRCh37 (hg19) VCF-style: chr19-49468639-C-A.
Identifiers: ClinVar variation 2099950 (VCV002099950.4), dbSNP rs2038439032, ClinGen allele CA2580097497.

ClinVar aggregate classification (germline): Uncertain significance (1 of 4 stars; one submission).

Conditions:
Hereditary hyperferritinemia with congenital cataracts. Also called: HYPERFERRITINEMIA WITH OR WITHOUT CATARACT; Hereditary hyperferritinemia cataract syndrome; Bonneau-Beaumont syndrome. Identifiers: Orphanet 163, MedGen C1833213, MONDO:0010952, OMIM 600886.
Neuroferritinopathy (NBIA3). Also called: NEURODEGENERATION WITH BRAIN IRON ACCUMULATION 3; BASAL GANGLIA DISEASE, ADULT-ONSET. Identifiers: Orphanet 157846, MedGen C1853578, MONDO:0011638, OMIM 606159.

Submission:

Labcorp Genetics (formerly Invitae), Labcorp
Classification: Uncertain significance for Neuroferritinopathy; Hereditary hyperferritinemia with congenital cataracts. Last evaluated: 2022-10-17. Review status: criteria provided, single submitter. Criteria: Invitae Variant Classification Sherloc (09022015). Collection method: clinical testing. Allele origin: germline.
Comment: In summary, the available evidence is currently insufficient to determine the role of this variant in disease. Therefore, it has been classified as a Variant of Uncertain Significance. This variant has not been reported in the literature in individuals affected with FTL-related conditions. This variant is not present in population databases (gnomAD no frequency). This variant occurs in a non-coding region of the FTL gene. It does not change the encoded amino acid sequence of the FTL protein.